The following is an entry in ClinVar:

ClinVar aggregate classification (germline): Likely pathogenic (1 of 4 stars; one submission).

Conditions:
SCAPER-related disorder. Also called: SCAPER-related condition.

Submission:

PreventionGenetics, part of Exact Sciences
Classification: Likely pathogenic for SCAPER-related condition. Last evaluated: 2023-08-17. Review status: criteria provided, single submitter. Criteria: ACMG Guidelines, 2015. Collection method: clinical testing. Allele origin: germline.
Comment: The SCAPER c.2462_2463dupAA variant is predicted to result in a frameshift and premature protein termination (p.His822Asnfs*6). To our knowledge, this variant has not been reported in the literature or in a large population database, indicating this variant is rare. Frameshift variants in SCAPER are expected to be pathogenic. This variant is interpreted as likely pathogenic.

NM_020843.4(SCAPER):c.2444_2445dup (p.His816fs)

Gene: SCAPER (S-phase cyclin A associated protein in the ER; minus strand). Cytogenetic location: 15q24.3.
Variant type: Duplication.
Coding change: c.2444_2445dup on transcript NM_020843.4 (MANE Select); coding-DNA positions 2444 to 2445, 2 bases duplicated (AA; older notation c.2444_2445dupAA).
Protein change: p.His816fs; shifts the reading frame from histidine 816.
Molecular consequence: frameshift variant. On other transcripts: non-coding transcript variant (1).
Genome position (GRCh38, 1-based): chr15:76,701,821-76,701,822, TT duplicated on the plus strand (AA on the coding strand, the reverse complement: SCAPER is on the minus strand); duplicating any 2 consecutive bases within chr15:76,701,821-76,701,824 gives the same sequence; the c. name uses the placement nearest the transcript's 3' end. VCF-style (leftmost placement, unchanged base first): chr15-76701820-G-GTT. GRCh37 (hg19) VCF-style: chr15-76994161-G-GTT.
Other names: c.1706_1707dup, p.His570fs (NM_001145923.2); c.2462_2463dup, p.His822fs (NM_001353009.2); c.2042_2043dup, p.His682fs (NM_001353010.2, NM_001353012.2); c.2060_2061dup, p.His688fs (NM_001353011.2); short protein forms H570fs, H682fs, H688fs, H816fs, H822fs.
Identifiers: ClinVar variation 2631669 (VCV002631669.1), dbSNP rs1239045609, ClinGen allele CA491453495.